The following is an entry in ClinVar:

ClinVar aggregate classification (germline): Uncertain significance. Review status: criteria provided, multiple submitters, no conflicts (2 of 4 stars). 2 submissions from 2 submitters: Uncertain significance (2). Last evaluated 2024-03-06.

Conditions:
Dilated cardiomyopathy 2B. Identifiers: Orphanet 154, MedGen C3553409, MONDO:0013848, OMIM 614672.

Allele frequency attached by ClinVar (database versions not stated): gnomAD exomes below 0.00001.
gnomAD v4.1: 7 of 1,613,074 alleles (0.00043%); highest among the groups gnomAD compares: Non-Finnish European, 0.00042%; no homozygotes.

Submissions (2):

Labcorp Genetics (formerly Invitae), Labcorp
Classification: Uncertain significance for Dilated cardiomyopathy 2B. Last evaluated: 2024-03-06. Review status: criteria provided, single submitter. Criteria: Invitae Variant Classification Sherloc (09022015). Collection method: clinical testing. Allele origin: germline.
Comment: This sequence change replaces glutamic acid, which is acidic and polar, with glutamine, which is neutral and polar, at codon 228 of the GATAD1 protein (p.Glu228Gln). This variant is not present in population databases (gnomAD no frequency). This variant has not been reported in the literature in individuals affected with GATAD1-related conditions. ClinVar contains an entry for this variant (Variation ID: 393058). Advanced modeling of protein sequence and biophysical properties (such as structural, functional, and spatial information, amino acid conservation, physicochemical variation, residue mobility, and thermodynamic stability) performed at Invitae indicates that this missense variant is not expected to disrupt GATAD1 protein function with a negative predictive value of 80%. In summary, the available evidence is currently insufficient to determine the role of this variant in disease. Therefore, it has been classified as a Variant of Uncertain Significance.

GeneDx
Classification: Uncertain significance. Last evaluated: 2017-01-18. Review status: criteria provided, single submitter. Criteria: GeneDx Variant Classification (06012015). Collection method: clinical testing. Allele origin: germline. Affected: yes.
Comment: A variant of uncertain significance has been identified in the GATAD1 gene. The E228Q variant has not been published as a pathogenic or been reported as a benign to our knowledge. This variant is not observed in large population cohorts (Lek et al., 2016; Exome Variant Server). The E228Q variant is a semi-conservative amino acid substitution, which may impact secondary protein structure as these residues differ in some properties. This substitution occurs at a position that is conserved across species. Finally, in silico analysis suggests that this variant is probably damaging to the protein structure/function.

NM_021167.5(GATAD1):c.682G>C (p.Glu228Gln)

Gene: GATAD1 (GATA zinc finger domain containing 1; plus strand). Cytogenetic location: 7q21.2.
Variant type: single nucleotide variant.
Coding change: c.682G>C on transcript NM_021167.5 (MANE Select); coding-DNA position 682, G replaced by C.
Protein change: p.Glu228Gln; replaces glutamic acid 228 with glutamine.
Molecular consequence: missense variant. On other transcripts: non-coding transcript variant (1).
Genome position (GRCh38, 1-based): chr7:92,456,434, G>C. VCF-style: chr7-92456434-G-C. GRCh37 (hg19) VCF-style: chr7-92085748-G-C.
Other names: short protein forms E228Q.
Identifiers: ClinVar variation 393058 (VCV000393058.4), dbSNP rs1057524763, ClinGen allele CA16605922.